The following is an entry in ClinVar:

NC_000005.10:g.(?_141516831)_(141618934_?)del

Gene: DIAPH1 (diaphanous related formin 1; minus strand). Cytogenetic location: 5q31.3.
Variant type: Deletion.
Identifiers: ClinVar variation 831117 (VCV000831117.7).

ClinVar aggregate classification (germline): Pathogenic (1 of 4 stars; one submission).

Conditions:
Progressive microcephaly-seizures-cortical blindness-developmental delay syndrome. Also called: Seizures, cortical blindness, and microcephaly syndrome. Identifiers: Orphanet 477814, MedGen C5567650, MONDO:0014714, OMIM 616632.
Autosomal dominant nonsyndromic hearing loss 1. Also called: DEAFNESS, AUTOSOMAL DOMINANT 1, WITH OR WITHOUT THROMBOCYTOPENIA; KONIGSMARK SYNDROME. Identifiers: Orphanet 90635, MedGen C1852282, MONDO:0007424, OMIM 124900.

Submission:

Labcorp Genetics (formerly Invitae), Labcorp
Classification: Pathogenic for Progressive microcephaly-seizures-cortical blindness-developmental delay syndrome; Autosomal dominant nonsyndromic hearing loss 1. Last evaluated: 2020-09-17. Review status: criteria provided, single submitter. Criteria: Invitae Variant Classification Sherloc (09022015). Collection method: clinical testing. Allele origin: germline.
Comment: For these reasons, this variant has been classified as Pathogenic. Loss-of-function variants in DIAPH1 are known to be pathogenic (PMID: 24781755, 26463574). This variant has not been reported in the literature in individuals with DIAPH1-related conditions. A gross deletion of the genomic region encompassing the full coding sequence of the DIAPH1 gene has been identified. The boundaries of this event are unknown as the deletion extends beyond the assayed region for this gene and therefore may encompass additional genes.

Literature cited by the submitters: PubMed 24781755; PubMed 26463574.